The following is an entry in ClinVar:

NM_002072.5(GNAQ):c.1017T>C (p.Phe339=)

Gene: GNAQ (G protein subunit alpha q; minus strand). Cytogenetic location: 9q21.2.
Variant type: single nucleotide variant.
Coding change: c.1017T>C on transcript NM_002072.5 (MANE Select); coding-DNA position 1017, T replaced by C.
Protein change: p.Phe339=; no amino-acid change (phenylalanine 339 retained).
Molecular consequence: synonymous variant.
Genome position (GRCh38, 1-based): chr9:77,721,386, A>G on the plus strand (T>C on the coding strand, the complement: GNAQ is on the minus strand). VCF-style: chr9-77721386-A-G. GRCh37 (hg19) VCF-style: chr9-80336302-A-G.
Identifiers: ClinVar variation 743756 (VCV000743756.10), dbSNP rs61736823, ClinGen allele CA5094513.

ClinVar aggregate classification (germline): Likely benign. Review status: criteria provided, multiple submitters, no conflicts (2 of 4 stars). 2 submissions from 2 submitters: Likely benign (2). Last evaluated 2026-07-01.

Allele frequency attached by ClinVar (database versions not stated): gnomAD 0.00014; gnomAD exomes 0.00014 and 0.00029; TOPMed 0.00014; ESP Exome Variant Server 0.00031; ExAC 0.00036.
gnomAD v4.1: 254 of 1,613,466 alleles (0.016%); highest among the groups gnomAD compares: Middle Eastern, 0.2%; no homozygotes.

Submissions (2):

CeGaT Center for Human Genetics Tuebingen
Classification: Likely benign. Last evaluated: 2026-07-01. Review status: criteria provided, single submitter. Criteria: CeGaT Center For Human Genetics Tuebingen Variant Classification Criteria Version 2. Collection method: clinical testing. Allele origin: germline. Affected: yes. Observed: 1 variant allele.
Comment: GNAQ: BP4, BP7

Labcorp Genetics (formerly Invitae), Labcorp
Classification: Likely benign. Last evaluated: 2025-06-20. Review status: criteria provided, single submitter. Criteria: Invitae Variant Classification Sherloc (09022015). Collection method: clinical testing. Allele origin: germline.